The following is an entry in ClinVar:

NM_001267550.2(TTN):c.48638+5G>T

Genes: TTN (titin; minus strand), TTN-AS1 (TTN antisense RNA 1; plus strand), LOC126806426 (BRD4-independent group 4 enhancer GRCh37_chr2:179478848-179480047; plus strand). Cytogenetic location: 2q31.2.
Variant type: single nucleotide variant.
Coding change: c.48638+5G>T on transcript NM_001267550.2 (MANE Select); 5 bases into the intron after coding-DNA position 48638, G replaced by T.
Molecular consequence: intron variant.
Genome position (GRCh38, 1-based): chr2:178,615,302, C>A on the plus strand (G>T on the coding strand, the complement: TTN is on the minus strand). VCF-style: chr2-178615302-C-A. GRCh37 (hg19) VCF-style: chr2-179480029-C-A.
Other names: c.21443+5G>T (NM_003319.4); c.22019+5G>T (NM_133437.4); c.21818+5G>T (NM_133432.3); c.40934+5G>T (NM_133378.4); c.43715+5G>T (NM_001256850.1).
Identifiers: ClinVar variation 47023 (VCV000047023.14), dbSNP rs397517594, ClinGen allele CA139791.
Genomic context (GRCh38, chr2:178,615,302, plus strand): 5'-CCCAACAAAGCCCATTTTAGTGACTAGGAGTACACATTTACTCTCATGCCAAATTAAAAA[C>A]CTACTTTGTTTCTGCAACAGGTTCTCCACAGGCAACCCATTTATCAGAACCACGTGGACA-3'

ClinVar aggregate classification (germline): Conflicting classifications of pathogenicity. Review status: criteria provided, conflicting classifications (1 of 4 stars). 4 submissions from 4 submitters: Likely pathogenic (1); Uncertain significance (3). Last evaluated 2026-10-12.

Conditions:
Cardiovascular phenotype. Identifiers: MedGen CN230736.
Dilated cardiomyopathy 1G (CMD1G). Identifiers: Orphanet 154, MedGen C1858763, MONDO:0011400, OMIM 604145.
Autosomal recessive limb-girdle muscular dystrophy type 2J (LGMDR10). Also called: Limb-girdle muscular dystrophy, type 2J; MUSCULAR DYSTROPHY, LIMB-GIRDLE, AUTOSOMAL RECESSIVE 10. Identifiers: Orphanet 140922, MedGen C1837342, MONDO:0012127, OMIM 608807.

Submissions (4):

GeneDx
Classification: Likely pathogenic. Last evaluated: 2026-10-12. Review status: criteria provided, single submitter. Criteria: GeneDx Variant Classification Process June 2021. Collection method: clinical testing. Allele origin: germline.
Comment: Intronic variant directly or indirectly altering the +5 splice site in a gene for which loss of function is a known mechanism of disease, and splice predictors support a deleterious effect; Not observed at significant frequency in large population cohorts (gnomAD); Has not been previously published as pathogenic or benign to our knowledge; Located in the A-band, a region of TTN for which truncating variants are significantly associated with autosomal dominant cardiomyopathy and also with autosomal recessive skeletal myopathies (PMID: 22335739, 32778822); This variant is associated with the following publications: (PMID: 22335739, 32778822)

Labcorp Genetics (formerly Invitae), Labcorp
Classification: Uncertain significance for Dilated cardiomyopathy 1G; Autosomal recessive limb-girdle muscular dystrophy type 2J. Last evaluated: 2023-10-12. Review status: criteria provided, single submitter. Criteria: Invitae Variant Classification Sherloc (09022015). Collection method: clinical testing. Allele origin: germline.
Comment: This sequence change falls in intron 259 of the TTN gene. It does not directly change the encoded amino acid sequence of the TTN protein. It affects a nucleotide within the consensus splice site. This variant is not present in population databases (gnomAD no frequency). This variant has not been reported in the literature in individuals affected with TTN-related conditions. ClinVar contains an entry for this variant (Variation ID: 47023). Variants that disrupt the consensus splice site are a relatively common cause of aberrant splicing (PMID: 17576681, 9536098). Algorithms developed to predict the effect of sequence changes on RNA splicing suggest that this variant may disrupt the consensus splice site. This variant is located in the A band of TTN (PMID: 25589632). Variants in this region may be relevant for cardiac or neuromuscular disorders (PMID: 25589632, 23975875). In summary, the available evidence is currently insufficient to determine the role of this variant in disease. Therefore, it has been classified as a Variant of Uncertain Significance.

Ambry Genetics
Classification: Uncertain significance for Cardiovascular phenotype. Last evaluated: 2022-03-09. Review status: criteria provided, single submitter. Criteria: Ambry Variant Classification Scheme 2023. Collection method: clinical testing. Allele origin: germline.
Comment: The c.21443+5G>T intronic variant results from a G to T substitution 5 nucleotides after coding exon 86 in the TTN gene. This nucleotide position is highly conserved in available vertebrate species. In silico splice site analysis predicts that this alteration will weaken the native splice donor site. Since supporting evidence is limited at this time, the clinical significance of this alteration remains unclear.

Laboratory for Molecular Medicine, Mass General Brigham Personalized Medicine
Classification: Uncertain significance. Last evaluated: 2013-02-25. Review status: criteria provided, single submitter. Criteria: LMM Criteria. Collection method: clinical testing. Allele origin: germline. Observed: 1 variant allele.
Comment: The 40934+5G>T variant in TTN has not been reported in the literature nor previo usly identified by our laboratory. This variant has also not been identified in large and broad European American and African American populations by the NHLBI Exome Sequencing Project, though it may be co mmon in other populations. It is located in the 5' splice region, and computatio nal tools do not provide strong support for or against an impact to splicing. Ad ditional information is needed to fully assess the clinical significance of this variant.

Literature cited by the submitters: PubMed 17576681 (cited by Labcorp Genetics (formerly Invitae), Labcorp); PubMed 9536098 (cited by Labcorp Genetics (formerly Invitae), Labcorp); PubMed 25589632 (cited by Labcorp Genetics (formerly Invitae), Labcorp); PubMed 23975875 (cited by Labcorp Genetics (formerly Invitae), Labcorp).